The following is an entry in ClinVar:

NM_005477.3(HCN4):c.2053A>C (p.Ser685Arg)

Gene: HCN4 (hyperpolarization activated cyclic nucleotide gated potassium channel 4; minus strand). Cytogenetic location: 15q24.1.
Variant type: single nucleotide variant.
Coding change: c.2053A>C on transcript NM_005477.3 (MANE Select); coding-DNA position 2053, A replaced by C.
Protein change: p.Ser685Arg; replaces serine 685 with arginine.
Molecular consequence: missense variant.
Genome position (GRCh38, 1-based): chr15:73,324,179, T>G on the plus strand (A>C on the coding strand, the complement: HCN4 is on the minus strand). VCF-style: chr15-73324179-T-G. GRCh37 (hg19) VCF-style: chr15-73616520-T-G.
Other names: short protein forms S685R.
Identifiers: ClinVar variation 1304901 (VCV001304901.9), dbSNP rs1161776375, ClinGen allele CA393090175.

ClinVar aggregate classification (germline): Uncertain significance. Review status: criteria provided, multiple submitters, no conflicts (2 of 4 stars). 2 submissions from 2 submitters: Uncertain significance (2). Last evaluated 2021-05-05.

Conditions:
Brugada syndrome 8 (BRGDA8). Identifiers: Orphanet 130, MedGen C2751083, MONDO:0013148, OMIM 613123.

Allele frequency attached by ClinVar (database versions not stated): TOPMed below 0.00001; gnomAD 0.00001.
gnomAD v4.1: 1 of 1,614,008 alleles (0.000062%); highest among the groups gnomAD compares: Non-Finnish European, 0.000085%; no homozygotes.

Submissions (2):

Labcorp Genetics (formerly Invitae), Labcorp
Classification: Uncertain significance for Brugada syndrome 8. Last evaluated: 2021-05-05. Review status: criteria provided, single submitter. Criteria: Invitae Variant Classification Sherloc (09022015). Collection method: clinical testing. Allele origin: germline.
Comment: This variant is not present in population databases (ExAC no frequency). This sequence change replaces serine with arginine at codon 685 of the HCN4 protein (p.Ser685Arg). The serine residue is highly conserved and there is a moderate physicochemical difference between serine and arginine. This variant has not been reported in the literature in individuals with HCN4-related conditions. Advanced modeling of protein sequence and biophysical properties (such as structural, functional, and spatial information, amino acid conservation, physicochemical variation, residue mobility, and thermodynamic stability) performed at Invitae indicates that this missense variant is not expected to disrupt HCN4 protein function. In summary, the available evidence is currently insufficient to determine the role of this variant in disease. Therefore, it has been classified as a Variant of Uncertain Significance.

GeneDx
Classification: Uncertain significance. Last evaluated: 2019-11-13. Review status: criteria provided, single submitter. Criteria: GeneDx Variant Classification Process June 2021. Collection method: clinical testing. Allele origin: germline. Affected: yes.
Comment: Not observed in large population cohorts (Lek et al., 2016); In silico analysis, which includes protein predictors and evolutionary conservation, supports a deleterious effect; Has not been previously published as pathogenic or benign to our knowledge